The following is an entry in ClinVar:

NM_001754.5(RUNX1):c.1426G>A (p.Val476Met)

Gene: RUNX1 (RUNX family transcription factor 1; minus strand). Cytogenetic location: 21q22.12.
Variant type: single nucleotide variant.
Coding change: c.1426G>A on transcript NM_001754.5 (MANE Select); coding-DNA position 1426, G replaced by A.
Protein change: p.Val476Met; replaces valine 476 with methionine.
Molecular consequence: missense variant.
Genome position (GRCh38, 1-based): chr21:34,792,152, C>T on the plus strand (G>A on the coding strand, the complement: RUNX1 is on the minus strand). VCF-style: chr21-34792152-C-T. GRCh37 (hg19) VCF-style: chr21-36164449-C-T.
Other names: NM_001754.5(RUNX1):c.1426G>A; p.Val476Met; c.1345G>A, p.Val449Met (NM_001001890.3); short protein forms V449M, V476M.
Identifiers: ClinVar variation 1042591 (VCV001042591.9), dbSNP rs1195996714, ClinGen allele CA410146616.

ClinVar aggregate classification (germline): Uncertain significance. Review status: reviewed by expert panel (3 of 4 stars). 2 submissions from 2 submitters: Uncertain significance (1). 1 of the submissions does not count toward it. Last evaluated 2025-01-15.

Conditions:
Hereditary thrombocytopenia and hematological cancer predisposition syndrome associated with RUNX1. Also called: PLATELET DISORDER, ASPIRIN-LIKE; Familial Platelet Disorder with Propensity to Acute Myelogenous Leukemia; Familial thrombocytopenia with propensity to acute myelogenous leukemia; RUNX1 Familial Platelet Disorder with Associated Myeloid Malignancies. Identifiers: Orphanet 71290, MedGen C1832388, MeSH C563324, MONDO:0100083, OMIM 601399.
Hereditary thrombocytopenia and hematologic cancer predisposition syndrome. Identifiers: Orphanet 71290, MedGen CN281654, MONDO:0011071.

Allele frequency attached by ClinVar (database versions not stated): gnomAD exomes below 0.00001.
gnomAD v4.1: 1 of 1,503,110 alleles (0.000067%); highest among the groups gnomAD compares: Non-Finnish European, 0.000088%; no homozygotes.

Submissions (2):

ClinGen Myeloid Malignancy Variant Curation Expert Panel
Classification: Uncertain significance for Hereditary thrombocytopenia and hematologic cancer predisposition syndrome. Last evaluated: 2025-01-15. Review status: reviewed by expert panel. Criteria: ClinGen MyeloMalig ACMG Specifications v2. Collection method: curation. Allele origin: germline. Inheritance: Autosomal dominant inheritance.
Comment: NM_001754.5(RUNX1):c.1426G>A (p.Val476Met) is a missense variant which does not meet any ACMG/AMP criteria. In summary, the clinical significance of this variant is uncertain. ACMG/AMP criteria applied, as specified by the Myeloid Malignancy Variant Curation Expert Panel for RUNX1: None.

Labcorp Genetics (formerly Invitae), Labcorp
Classification: Uncertain significance for Hereditary thrombocytopenia and hematological cancer predisposition syndrome associated with RUNX1. Last evaluated: 2020-05-20. Review status: criteria provided, single submitter. Criteria: Invitae Variant Classification Sherloc (09022015). Collection method: clinical testing. Allele origin: germline. Not counted in ClinVar's aggregate classification.
Comment: This sequence change replaces valine with methionine at codon 476 of the RUNX1 protein (p.Val476Met). The valine residue is highly conserved and there is a small physicochemical difference between valine and methionine. The frequency data for this variant in the population databases is considered unreliable, as metrics indicate insufficient coverage at this position in the ExAC database. In summary, the available evidence is currently insufficient to determine the role of this variant in disease. Therefore, it has been classified as a Variant of Uncertain Significance. Algorithms developed to predict the effect of missense changes on protein structure and function are either unavailable or do not agree on the potential impact of this missense change (SIFT: "Deleterious"; PolyPhen-2: "Probably Damaging"; Align-GVGD: "Class C0"). This variant has not been reported in the literature in individuals with RUNX1-related conditions.